The following is an entry in ClinVar:

NM_020335.3(VANGL2):c.12G>A (p.Glu4=)

Gene: VANGL2 (VANGL planar cell polarity protein 2; plus strand). Cytogenetic location: 1q23.2.
Variant type: single nucleotide variant.
Coding change: c.12G>A on transcript NM_020335.3 (MANE Select); coding-DNA position 12, G replaced by A.
Protein change: p.Glu4=; no amino-acid change (glutamic acid 4 retained).
Molecular consequence: synonymous variant.
Genome position (GRCh38, 1-based): chr1:160,415,849, G>A. VCF-style: chr1-160415849-G-A. GRCh37 (hg19) VCF-style: chr1-160385639-G-A.
Identifiers: ClinVar variation 3034367 (VCV003034367.2), dbSNP rs772306942, ClinGen allele CA1199302.

ClinVar aggregate classification (germline): Likely benign (0 of 4 stars; one submission).

Conditions:
VANGL2-related disorder. Also called: VANGL2-related condition.

Allele frequency attached by ClinVar (database versions not stated): gnomAD exomes 0.00004; gnomAD 0.00009; TOPMed 0.00011; ExAC 0.00017.
gnomAD v4.1: 79 of 1,613,766 alleles (0.0049%); highest among the groups gnomAD compares: Admixed American, 0.083%; no homozygotes.

Submission:

PreventionGenetics, part of Exact Sciences
Classification: Likely benign for VANGL2-related condition. Last evaluated: 2019-06-13. Review status: no assertion criteria provided. Collection method: clinical testing. Allele origin: germline.
Comment: This variant is classified as likely benign based on ACMG/AMP sequence variant interpretation guidelines (Richards et al. 2015 PMID: 25741868, with internal and published modifications).